The following is an entry in ClinVar:

NM_152641.4(ARID2):c.2764A>G (p.Thr922Ala)

Gene: ARID2 (AT-rich interaction domain 2; plus strand). Cytogenetic location: 12q12.
Variant type: single nucleotide variant.
Coding change: c.2764A>G on transcript NM_152641.4 (MANE Select); coding-DNA position 2764, A replaced by G.
Protein change: p.Thr922Ala; replaces threonine 922 with alanine.
Molecular consequence: missense variant.
Genome position (GRCh38, 1-based): chr12:45,850,887, A>G. VCF-style: chr12-45850887-A-G. GRCh37 (hg19) VCF-style: chr12-46244670-A-G.
Other names: c.2764A>G, p.Thr922Ala (NM_001347839.2); c.2764A>G (NM_152641.3); short protein forms T922A.
Identifiers: ClinVar variation 133562 (VCV000133562.8), dbSNP rs114470162, ClinGen allele CA156952.

ClinVar aggregate classification (germline): Benign. Review status: criteria provided, multiple submitters, no conflicts (2 of 4 stars). 4 submissions from 4 submitters: Benign (2). 2 of the submissions do not count toward it. Last evaluated 2019-12-31.

Conditions:
ARID2-related disorder. Also called: ARID2-related condition.

Allele frequency attached by ClinVar (database versions not stated): gnomAD exomes 0.00066; gnomAD 0.00709 and 0.00760; 1000 Genomes Project 30x 0.00765; 1000 Genomes Project 0.00799; TOPMed 0.00833; ESP Exome Variant Server 0.00853.
gnomAD v4.1: 2,103 of 1,614,066 alleles (0.13%); highest among the groups gnomAD compares: African/African-American, 2.4%; 21 homozygotes.

Submissions (4):

Labcorp Genetics (formerly Invitae), Labcorp
Classification: Benign. Last evaluated: 2019-12-31. Review status: criteria provided, single submitter. Criteria: Invitae Variant Classification Sherloc (09022015). Collection method: clinical testing. Allele origin: germline.

Breakthrough Genomics
Classification: Benign. Review status: criteria provided, single submitter. Criteria: ACMG Guidelines, 2015. Collection method: not provided. Allele origin: germline. Inheritance: Autosomal dominant inheritance. Affected: yes.

PreventionGenetics, part of Exact Sciences
Classification: Benign for ARID2-related condition. Last evaluated: 2022-07-18. Review status: no assertion criteria provided. Collection method: clinical testing. Allele origin: germline. Not counted in ClinVar's aggregate classification.
Comment: This variant is classified as benign based on ACMG/AMP sequence variant interpretation guidelines (Richards et al. 2015 PMID: 25741868, with internal and published modifications).

ITMI
No classification provided. Condition: AllHighlyPenetrant. Last evaluated: 2013-09-19. Review status: no classification provided. Collection method: reference population. Allele origin: germline. Not counted in ClinVar's aggregate classification.
Comment: Please see associated publication for description of ethnicities

Literature cited by the submitters: PubMed 24728327 (cited by ITMI).